The following is an entry in ClinVar:

NM_000492.4(CFTR):c.2348T>G (p.Ile783Ser)

Gene: CFTR (CF transmembrane conductance regulator; plus strand). Cytogenetic location: 7q31.2.
Variant type: single nucleotide variant.
Coding change: c.2348T>G on transcript NM_000492.4 (MANE Select); coding-DNA position 2348, T replaced by G.
Protein change: p.Ile783Ser; replaces isoleucine 783 with serine.
Molecular consequence: missense variant.
Genome position (GRCh38, 1-based): chr7:117,592,515, T>G. VCF-style: chr7-117592515-T-G. GRCh37 (hg19) VCF-style: chr7-117232569-T-G.
Other names: short protein forms I783S.
Identifiers: ClinVar variation 2453648 (VCV002453648.2), dbSNP rs760654830, ClinGen allele CA4451174.

ClinVar aggregate classification (germline): Uncertain significance (1 of 4 stars; one submission).

Conditions:
Cystic fibrosis (CF). Also called: MUCOVISCIDOSIS. Identifiers: Orphanet 586, MedGen C0010674, MONDO:0009061, OMIM 219700. Disease mechanism: loss of function.

Allele frequency attached by ClinVar (database versions not stated): gnomAD exomes below 0.00001; gnomAD 0.00001.
gnomAD v4.1: 2 of 1,530,380 alleles (0.00013%); highest among the groups gnomAD compares: South Asian, 0.0027%; no homozygotes.

Submission:

Ambry Genetics
Classification: Uncertain significance for Cystic fibrosis. Last evaluated: 2023-01-22. Review status: criteria provided, single submitter. Criteria: Ambry Variant Classification Scheme 2023. Collection method: clinical testing. Allele origin: germline.
Comment: The p.I783S variant (also known as c.2348T>G), located in coding exon 14 of the CFTR gene, results from a T to G substitution at nucleotide position 2348. The isoleucine at codon 783 is replaced by serine, an amino acid with dissimilar properties. This amino acid position is conserved. In addition, the in silico prediction for this alteration is inconclusive. Since supporting evidence is limited at this time, the clinical significance of this alteration remains unclear.